The following is an entry in ClinVar:

NM_015122.3(FCHO1):c.2330G>C (p.Gly777Ala)

Gene: FCHO1 (FCH and mu domain containing endocytic adaptor 1; plus strand). Cytogenetic location: 19p13.11.
Variant type: single nucleotide variant.
Coding change: c.2330G>C on transcript NM_015122.3 (MANE Select); coding-DNA position 2330, G replaced by C.
Protein change: p.Gly777Ala; replaces glycine 777 with alanine.
Molecular consequence: missense variant. On other transcripts: non-coding transcript variant (35), intron variant (5).
Genome position (GRCh38, 1-based): chr19:17,784,828, G>C. VCF-style: chr19-17784828-G-C. GRCh37 (hg19) VCF-style: chr19-17895637-G-C.
Other names: c.2330G>C, p.Gly777Ala (NM_001161357.2, NM_001161358.2, NM_001384370.1 and 11 more transcripts); c.2180G>C, p.Gly727Ala (NM_001161359.2, NM_001384384.1, NM_001384385.1 and 1 more transcripts); c.2309G>C, p.Gly770Ala (NM_001384387.1); c.2291G>C, p.Gly764Ala (NM_001384388.1, NM_001384389.1); c.2255G>C, p.Gly752Ala (NM_001384390.1); c.2213G>C, p.Gly738Ala (NM_001384392.1, NM_001384393.1, NM_001384394.1 and 1 more transcripts); c.2054G>C, p.Gly685Ala (NM_001384396.1, NM_001384397.1, NM_001384398.1 and 4 more transcripts); c.2009G>C, p.Gly670Ala (NM_001384403.1); and 5 more; short protein forms G727A, G770A, G752A, G670A, G685A, G738A, G764A, G777A.
Identifiers: ClinVar variation 4024174 (VCV004024174.2).

ClinVar aggregate classification (germline): Uncertain significance. Review status: criteria provided, multiple submitters, no conflicts (2 of 4 stars). 2 submissions from 2 submitters: Uncertain significance (2). Last evaluated 2025-11-24.

gnomAD v4.1: 56 of 1,613,898 alleles (0.0035%); highest among the groups gnomAD compares: Non-Finnish European, 0.0028%; no homozygotes.

Submissions (2):

Labcorp Genetics (formerly Invitae), Labcorp
Classification: Uncertain significance. Last evaluated: 2025-11-24. Review status: criteria provided, single submitter. Criteria: Invitae Variant Classification Sherloc (09022015). Collection method: clinical testing. Allele origin: germline.
Comment: This sequence change replaces glycine, which is neutral and non-polar, with alanine, which is neutral and non-polar, at codon 777 of the FCHO1 protein (p.Gly777Ala). This variant is present in population databases (rs770101357, gnomAD 0.04%). This variant has not been reported in the literature in individuals affected with FCHO1-related conditions. ClinVar contains an entry for this variant (Variation ID: 4024174). An algorithm developed to predict the effect of missense changes on protein structure and function (PolyPhen-2) suggests that this variant is likely to be tolerated. In summary, the available evidence is currently insufficient to determine the role of this variant in disease. Therefore, it has been classified as a Variant of Uncertain Significance.

Ambry Genetics
Classification: Uncertain significance. Last evaluated: 2025-05-16. Review status: criteria provided, single submitter. Criteria: Ambry Variant Classification Scheme 2023. Collection method: clinical testing. Allele origin: germline.